The following is an entry in ClinVar:

NM_031844.3(HNRNPU):c.2059T>A (p.Ser687Thr)

Gene: HNRNPU (heterogeneous nuclear ribonucleoprotein U; minus strand). Cytogenetic location: 1q44.
Variant type: single nucleotide variant.
Coding change: c.2059T>A on transcript NM_031844.3 (MANE Select); coding-DNA position 2059, T replaced by A.
Protein change: p.Ser687Thr; replaces serine 687 with threonine.
Molecular consequence: missense variant.
Genome position (GRCh38, 1-based): chr1:244,856,012, A>T on the plus strand (T>A on the coding strand, the complement: HNRNPU is on the minus strand). VCF-style: chr1-244856012-A-T. GRCh37 (hg19) VCF-style: chr1-245019314-A-T.
Other names: c.2002T>A, p.Ser668Thr (NM_004501.3); short protein forms S668T, S687T.
Identifiers: ClinVar variation 2799119 (VCV002799119.3), dbSNP rs2102985380, ClinGen allele CA345488070.

ClinVar aggregate classification (germline): Uncertain significance (1 of 4 stars; one submission).

Conditions:
Developmental and epileptic encephalopathy, 54. Also called: Epileptic encephalopathy, early infantile, 54; HNRNPU-Related Neurodevelopmental Disorder. Identifiers: MedGen C4479319, MONDO:0033363, OMIM 617391.

Allele frequency attached by ClinVar (database versions not stated): gnomAD exomes below 0.00001.
gnomAD v4.1: 2 of 1,614,044 alleles (0.00012%); highest among the groups gnomAD compares: South Asian, 0.0022%; no homozygotes.

Submission:

Labcorp Genetics (formerly Invitae), Labcorp
Classification: Uncertain significance for Developmental and epileptic encephalopathy, 54. Last evaluated: 2023-07-28. Review status: criteria provided, single submitter. Criteria: Invitae Variant Classification Sherloc (09022015). Collection method: clinical testing. Allele origin: germline.
Comment: Advanced modeling of protein sequence and biophysical properties (such as structural, functional, and spatial information, amino acid conservation, physicochemical variation, residue mobility, and thermodynamic stability) performed at Invitae indicates that this missense variant is not expected to disrupt HNRNPU protein function. This variant has not been reported in the literature in individuals affected with HNRNPU-related conditions. This variant is not present in population databases (gnomAD no frequency). This sequence change replaces serine, which is neutral and polar, with threonine, which is neutral and polar, at codon 687 of the HNRNPU protein (p.Ser687Thr). In summary, the available evidence is currently insufficient to determine the role of this variant in disease. Therefore, it has been classified as a Variant of Uncertain Significance.